The following is an entry in ClinVar:

ClinVar aggregate classification (germline): Likely pathogenic. Review status: criteria provided, multiple submitters, no conflicts (2 of 4 stars). 2 submissions from 2 submitters: Likely pathogenic (2). Last evaluated 2024-12-24.

Conditions:
Leber congenital amaurosis (LCA). Also called: Leber's amaurosis. Identifiers: Orphanet 65, MedGen C0339527, MeSH D057130, MONDO:0018998.
CRB1-related disorder. Also called: CRB1-related condition; CRB1-related disorders.

Submissions (2):

Natera, Inc.
Classification: Likely pathogenic for Leber congenital amaurosis. Last evaluated: 2024-12-24. Review status: criteria provided, single submitter. Criteria: Natera Variant Classification Schema (03/2026). Collection method: clinical testing. Allele origin: germline.
Comment: The c.201_202del variant in CRB1 is a frameshift variant predicted to shift the reading frame and introduce a stop codon. This variant is expected to result in nonsense mediated decay, truncation, or a dysfunctional protein product. This variant is rare in the general population with a frequency below the threshold expected for the associated phenotype(s). Given the available evidence, this variant is classified as Likely Pathogenic.

Blueprint Genetics
Classification: Likely pathogenic for CRB1-related disorders. Last evaluated: 2019-08-02. Review status: criteria provided, single submitter. Criteria: ACMG Guidelines, 2015. Collection method: clinical testing. Allele origin: germline. Affected: yes. Observed: 1 variant allele.

NM_201253.3(CRB1):c.201_202del (p.Cys67_Asp68delinsTer)

Gene: CRB1 (crumbs cell polarity complex component 1; plus strand). Cytogenetic location: 1q31.3.
Variant type: Microsatellite.
Coding change: c.201_202del on transcript NM_201253.3 (MANE Select); coding-DNA positions 201 to 202, 2 bases deleted (TG; older notation c.201_202delTG).
Protein change: p.Cys67_Asp68delinsTer.
Molecular consequence: nonsense. On other transcripts: 5 prime UTR variant (1), non-coding transcript variant (2).
Genome position (GRCh38, 1-based): chr1:197,328,552-197,328,553, TG deleted; deleting any 2 consecutive bases within chr1:197,328,550-197,328,553 gives the same sequence; the c. name uses the placement nearest the transcript's 3' end. VCF-style (leftmost placement, unchanged base first): chr1-197328549-CTG-C. GRCh37 (hg19) VCF-style: chr1-197297679-CTG-C.
Other names: c.201_202del, p.Cys67_Asp68delinsTer (NM_001193640.2, NM_001257966.2); c.-9TG[1] (NM_001257965.2).
Identifiers: ClinVar variation 867214 (VCV000867214.3), dbSNP rs1658656722, ClinGen allele CA916082095.